The following is an entry in ClinVar:

NM_006939.4(SOS2):c.3682A>G (p.Ile1228Val)

Gene: SOS2 (SOS Ras/Rho guanine nucleotide exchange factor 2; minus strand). Cytogenetic location: 14q21.3.
Variant type: single nucleotide variant.
Coding change: c.3682A>G on transcript NM_006939.4 (MANE Select); coding-DNA position 3682, A replaced by G.
Protein change: p.Ile1228Val; replaces isoleucine 1228 with valine.
Molecular consequence: missense variant.
Genome position (GRCh38, 1-based): chr14:50,118,661, T>C on the plus strand (A>G on the coding strand, the complement: SOS2 is on the minus strand). VCF-style: chr14-50118661-T-C. GRCh37 (hg19) VCF-style: chr14-50585379-T-C.
Other names: c.3583A>G, p.Ile1195Val (NM_001411020.1); short protein forms I1195V, I1228V.
Identifiers: ClinVar variation 2021349 (VCV002021349.5), dbSNP rs781674653, ClinGen allele CA7176727.

ClinVar aggregate classification (germline): Likely benign. Review status: criteria provided, multiple submitters, no conflicts (2 of 4 stars). 2 submissions from 2 submitters: Likely benign (2). Last evaluated 2026-01-08.

Conditions:
Noonan syndrome 9 (NS9). Identifiers: Orphanet 648, MedGen C4225282, MONDO:0014691, OMIM 616559.

Allele frequency attached by ClinVar (database versions not stated): ExAC 0.00001; gnomAD exomes 0.00001.
gnomAD v4.1: 9 of 1,613,668 alleles (0.00056%); highest among the groups gnomAD compares: South Asian, 0.0088%; 1 homozygote.

Submissions (2):

Labcorp Genetics (formerly Invitae), Labcorp
Classification: Likely benign for Noonan syndrome 9. Last evaluated: 2026-01-08. Review status: criteria provided, single submitter. Criteria: Invitae Variant Classification Sherloc (09022015). Collection method: clinical testing. Allele origin: germline.

Women's Health and Genetics/Laboratory Corporation of America, LabCorp
Classification: Likely benign. Last evaluated: 2025-02-24. Review status: criteria provided, single submitter. Criteria: LabCorp Variant Classification Summary - May 2015. Collection method: clinical testing. Allele origin: germline.
Comment: Variant summary: SOS2 c.3682A>G (p.Ile1228Val) results in a conservative amino acid change in the encoded protein sequence. Four of five in-silico tools predict a benign effect of the variant on protein function. The variant allele was found at a frequency of 5.6e-06 in 1606696 control chromosomes, predominantly at a frequency of 8.8e-05 within the South Asian subpopulation in the gnomAD database, including 1 homozygote. This frequency is higher than the maximum estimated for a pathogenic variant in SOS2 causing Noonan Syndrome phenotype (2.5e-06). To our knowledge, no occurrence of c.3682A>G in individuals affected with Noonan Syndrome and no experimental evidence demonstrating its impact on protein function have been reported. ClinVar contains an entry for this variant (Variation ID: 2021349). Based on the evidence outlined above, the variant was classified as likely benign.